The following is an entry in ClinVar:

ClinVar aggregate classification (germline): Likely benign (1 of 4 stars; one submission).

Conditions:
Papillary renal cell carcinoma type 1 (RCCP1). Also called: Renal adenocarcinoma; Renal cell carcinoma 1; Renal cell carcinoma, somatic; RENAL CELL CARCINOMA, PAPILLARY, 1, SOMATIC. Identifiers: Orphanet 47044, MedGen C1336839, OMIM 605074, HP:0011797.

gnomAD v4.1: 1 of 1,613,966 alleles (0.000062%); highest among the groups gnomAD compares: Non-Finnish European, 0.000085%; no homozygotes.

Submission:

Myriad Genetics, Inc.
Classification: Likely benign for Papillary renal cell carcinoma type 1. Last evaluated: 2024-11-07. Review status: criteria provided, single submitter. Criteria: Myriad Autosomal Dominant, Autosomal Recessive and X-Linked Classification Criteria (2023). Collection method: clinical testing. Allele origin: unknown.
Comment: This variant is considered likely benign. This variant is intronic and is not expected to impact mRNA splicing.

NM_000245.4(MET):c.1528-10C>T

Gene: MET (MET proto-oncogene, receptor tyrosine kinase; plus strand). Cytogenetic location: 7q31.2.
Variant type: single nucleotide variant.
Coding change: c.1528-10C>T on transcript NM_000245.4 (MANE Select); 10 bases into the intron before coding-DNA position 1528, C replaced by T.
Molecular consequence: intron variant.
Genome position (GRCh38, 1-based): chr7:116,740,842, C>T. VCF-style: chr7-116740842-C-T. GRCh37 (hg19) VCF-style: chr7-116380896-C-T.
Other names: c.1528-10C>T (NM_001127500.3, NM_001324401.3); c.238-10C>T (NM_001324402.2).
Identifiers: ClinVar variation 3773173 (VCV003773173.1).